The following is an entry in ClinVar:

ClinVar aggregate classification (germline): Uncertain significance. Review status: criteria provided, multiple submitters, no conflicts (2 of 4 stars). 2 submissions from 2 submitters: Uncertain significance (2). Last evaluated 2026-02-23.

Conditions:
Familial hemiplegic migraine. Identifiers: MedGen C0338484, MONDO:0000700.

Allele frequency attached by ClinVar (database versions not stated): gnomAD exomes below 0.00001.

Submissions (2):

GeneDx
Classification: Uncertain significance. Last evaluated: 2026-02-23. Review status: criteria provided, single submitter. Criteria: GeneDx Variant Classification Process June 2021. Collection method: clinical testing. Allele origin: germline.
Comment: Not observed at significant frequency in large population cohorts (gnomAD); In silico analysis supports that this missense variant has a deleterious effect on protein structure/function; Has not been previously published as pathogenic or benign to our knowledge

Labcorp Genetics (formerly Invitae), Labcorp
Classification: Uncertain significance for Familial hemiplegic migraine. Last evaluated: 2021-06-13. Review status: criteria provided, single submitter. Criteria: Invitae Variant Classification Sherloc (09022015). Collection method: clinical testing. Allele origin: germline.
Comment: This variant has not been reported in the literature in individuals with ATP1A2-related conditions. This variant is not present in population databases (ExAC no frequency). This sequence change replaces methionine with isoleucine at codon 156 of the ATP1A2 protein (p.Met156Ile). The methionine residue is highly conserved and there is a small physicochemical difference between methionine and isoleucine. In summary, the available evidence is currently insufficient to determine the role of this variant in disease. Therefore, it has been classified as a Variant of Uncertain Significance. Algorithms developed to predict the effect of missense changes on protein structure and function are either unavailable or do not agree on the potential impact of this missense change (SIFT: "Deleterious"; PolyPhen-2: "Probably Damaging"; Align-GVGD: "Class C0").

NM_000702.4(ATP1A2):c.468G>A (p.Met156Ile)

Gene: ATP1A2 (ATPase Na+/K+ transporting subunit alpha 2; plus strand). Cytogenetic location: 1q23.2.
Variant type: single nucleotide variant.
Coding change: c.468G>A on transcript NM_000702.4 (MANE Select); coding-DNA position 468, G replaced by A.
Protein change: p.Met156Ile; replaces methionine 156 with isoleucine.
Molecular consequence: missense variant.
Genome position (GRCh38, 1-based): chr1:160,124,029, G>A. VCF-style: chr1-160124029-G-A. GRCh37 (hg19) VCF-style: chr1-160093819-G-A.
Other names: c.468G>A (NM_000702.3); short protein forms M156I.
Identifiers: ClinVar variation 1466869 (VCV001466869.9), dbSNP rs2101985912, ClinGen allele CA343232833.